The following is an entry in ClinVar:

NM_001110556.2(FLNA):c.2632G>A (p.Glu878Lys)

Gene: FLNA (filamin A; minus strand). Cytogenetic location: Xq28.
Variant type: single nucleotide variant.
Coding change: c.2632G>A on transcript NM_001110556.2 (MANE Select); coding-DNA position 2632, G replaced by A.
Protein change: p.Glu878Lys; replaces glutamic acid 878 with lysine.
Molecular consequence: missense variant.
Genome position (GRCh38, 1-based): chrX:154,362,266, C>T on the plus strand (G>A on the coding strand, the complement: FLNA is on the minus strand). VCF-style: chrX-154362266-C-T. GRCh37 (hg19) VCF-style: chrX-153590634-C-T.
Other names: c.2632G>A, p.Glu878Lys (NM_001456.4); short protein forms E878K.
Identifiers: ClinVar variation 590061 (VCV000590061.14), dbSNP rs1569551740, ClinGen allele CA415233435.

ClinVar aggregate classification (germline): Uncertain significance. Review status: criteria provided, multiple submitters, no conflicts (2 of 4 stars). 3 submissions from 3 submitters: Uncertain significance (3). Last evaluated 2026-03-30.

Conditions:
Familial thoracic aortic aneurysm and aortic dissection (TAAD). Also called: Thoracic aortic aneurysms and dissections. Identifiers: Orphanet 91387, MedGen C4707243, MONDO:0019625.
Frontometaphyseal dysplasia (FMD1). Identifiers: Orphanet 1826, MedGen C0265293, MONDO:0015942.
Heterotopia, periventricular, X-linked dominant (PVNH1). Also called: X-linked periventricular heterotopia; PERIVENTRICULAR NODULAR HETEROTOPIA 4; HETEROTOPIA, PERIVENTRICULAR, 1; PERIVENTRICULAR NODULAR HETEROTOPIA 1. Identifiers: Orphanet 2149, Orphanet 82004, MedGen C1848213, MONDO:0010233, OMIM 300049.
Melnick-Needles syndrome (MNS). Also called: Melnick-Needles Syndrome (FLNA-MNS); MELNICK-NEEDLES OSTEODYSPLASTY; OSTEODYSPLASTY OF MELNICK AND NEEDLES. Identifiers: Orphanet 2484, MedGen C0025237, MONDO:0010650, OMIM 309350.
Oto-palato-digital syndrome, type II (OPD2). Also called: Otopalatodigital Syndrome Type 2 (FLNA-OPD2); Otopalatodigital Syndrome, Type II; FACIOPALATOOSSEOUS SYNDROME; OPD II SYNDROME. Identifiers: Orphanet 669, Orphanet 90652, MedGen C1844696, MONDO:0010571, OMIM 304120.

Allele frequency attached by ClinVar (database versions not stated): gnomAD 0.00001; gnomAD exomes below 0.00001.
gnomAD v4.1: 4 of 1,209,569 alleles (0.00033%); highest among the groups gnomAD compares: South Asian, 0.0035%; no homozygotes.

Submissions (3):

GeneDx
Classification: Uncertain significance. Last evaluated: 2026-03-30. Review status: criteria provided, single submitter. Criteria: GeneDx Variant Classification Process June 2021. Collection method: clinical testing. Allele origin: germline.
Comment: Not observed at significant frequency in large population cohorts (gnomAD); In silico analysis supports that this missense variant has a deleterious effect on protein structure/function; Has not been previously published as pathogenic or benign to our knowledge

Labcorp Genetics (formerly Invitae), Labcorp
Classification: Uncertain significance for Oto-palato-digital syndrome, type II; Heterotopia, periventricular, X-linked dominant; Frontometaphyseal dysplasia; Melnick-Needles syndrome. Last evaluated: 2024-04-22. Review status: criteria provided, single submitter. Criteria: Invitae Variant Classification Sherloc (09022015). Collection method: clinical testing. Allele origin: germline.
Comment: This sequence change replaces glutamic acid, which is acidic and polar, with lysine, which is basic and polar, at codon 878 of the FLNA protein (p.Glu878Lys). This variant is not present in population databases (gnomAD no frequency). This variant has not been reported in the literature in individuals affected with FLNA-related conditions. ClinVar contains an entry for this variant (Variation ID: 590061). Advanced modeling of protein sequence and biophysical properties (such as structural, functional, and spatial information, amino acid conservation, physicochemical variation, residue mobility, and thermodynamic stability) performed at Invitae indicates that this missense variant is not expected to disrupt FLNA protein function with a negative predictive value of 95%. In summary, the available evidence is currently insufficient to determine the role of this variant in disease. Therefore, it has been classified as a Variant of Uncertain Significance.

Ambry Genetics
Classification: Uncertain significance for Familial thoracic aortic aneurysm and aortic dissection. Last evaluated: 2017-02-01. Review status: criteria provided, single submitter. Criteria: Ambry Variant Classification Scheme 2023. Collection method: clinical testing. Allele origin: germline.
Comment: The p.E878K variant (also known as c.2632G>A), located in coding exon 17 of the FLNA gene, results from a G to A substitution at nucleotide position 2632. The glutamic acid at codon 878 is replaced by lysine, an amino acid with similar properties. This amino acid position is highly conserved in available vertebrate species. In addition, the in silico prediction for this alteration is inconclusive. Since supporting evidence is limited at this time, the clinical significance of this variant remains unclear.